The following is an entry in ClinVar:

ClinVar aggregate classification (germline): Uncertain significance. Review status: criteria provided, multiple submitters, no conflicts (2 of 4 stars). 2 submissions from 2 submitters: Uncertain significance (2). Last evaluated 2024-05-30.

Submissions (2):

GeneDx
Classification: Uncertain significance. Last evaluated: 2024-05-30. Review status: criteria provided, single submitter. Criteria: GeneDx Variant Classification Process June 2021. Collection method: clinical testing. Allele origin: germline. Affected: yes.
Comment: Not observed at significant frequency in large population cohorts (gnomAD); In silico analysis indicates that this missense variant does not alter protein structure/function; Has not been previously published as pathogenic or benign to our knowledge

Blueprint Genetics
Classification: Uncertain significance. Last evaluated: 2019-09-11. Review status: criteria provided, single submitter. Criteria: ACMG Guidelines, 2015. Collection method: clinical testing. Allele origin: germline.

NM_006005.3(WFS1):c.2286G>T (p.Lys762Asn)

Gene: WFS1 (wolframin ER transmembrane glycoprotein; plus strand). Cytogenetic location: 4p16.1.
Variant type: single nucleotide variant.
Coding change: c.2286G>T on transcript NM_006005.3 (MANE Select); coding-DNA position 2286, G replaced by T.
Protein change: p.Lys762Asn; replaces lysine 762 with asparagine.
Molecular consequence: missense variant.
Genome position (GRCh38, 1-based): chr4:6,302,081, G>T. VCF-style: chr4-6302081-G-T. GRCh37 (hg19) VCF-style: chr4-6303808-G-T.
Other names: c.2286G>T, p.Lys762Asn (NM_001145853.1); short protein forms K762N.
Identifiers: ClinVar variation 3383446 (VCV003383446.2).